The following is an entry in ClinVar:

NM_004408.4(DNM1):c.1282G>A (p.Val428Met)

Gene: DNM1 (dynamin 1; plus strand). Cytogenetic location: 9q34.11.
Variant type: single nucleotide variant.
Coding change: c.1282G>A on transcript NM_004408.4 (MANE Select); coding-DNA position 1282, G replaced by A.
Protein change: p.Val428Met; replaces valine 428 with methionine.
Molecular consequence: missense variant. On other transcripts: intron variant (3).
Genome position (GRCh38, 1-based): chr9:128,224,336, G>A. VCF-style: chr9-128224336-G-A. GRCh37 (hg19) VCF-style: chr9-130986615-G-A.
Other names: c.1282G>A, p.Val428Met (NM_001005336.3, NM_001374269.1); c.1196+1476G>A (NM_001288738.2, NM_001288737.2, NM_001288739.2); short protein forms V428M.
Identifiers: ClinVar variation 1320875 (VCV001320875.3), dbSNP rs868805405, ClinGen allele CA375018629.

ClinVar aggregate classification (germline): Uncertain significance (1 of 4 stars; one submission).

Submission:

GeneDx
Classification: Uncertain significance. Last evaluated: 2024-10-28. Review status: criteria provided, single submitter. Criteria: GeneDx Variant Classification Process June 2021. Collection method: clinical testing. Allele origin: germline. Affected: yes.
Comment: Not observed at significant frequency in large population cohorts (gnomAD); In silico analysis supports that this missense variant has a deleterious effect on protein structure/function; Has not been previously published as pathogenic or benign to our knowledge